The following is an entry in ClinVar:

NM_001031710.3(KLHL7):c.514C>G (p.His172Asp)

Gene: KLHL7 (kelch like family member 7; plus strand). Cytogenetic location: 7p15.3.
Variant type: single nucleotide variant.
Coding change: c.514C>G on transcript NM_001031710.3 (MANE Select); coding-DNA position 514, C replaced by G.
Protein change: p.His172Asp; replaces histidine 172 with aspartic acid.
Molecular consequence: missense variant. On other transcripts: non-coding transcript variant (1).
Genome position (GRCh38, 1-based): chr7:23,140,840, C>G. VCF-style: chr7-23140840-C-G. GRCh37 (hg19) VCF-style: chr7-23180459-C-G.
Other names: c.370C>G, p.His124Asp (NM_018846.5); short protein forms H172D, H124D.
Identifiers: ClinVar variation 1399379 (VCV001399379.9), dbSNP rs2128464388, ClinGen allele CA366976151.

ClinVar aggregate classification (germline): Conflicting classifications of pathogenicity. Review status: criteria provided, conflicting classifications (1 of 4 stars). 2 submissions from 2 submitters: Likely pathogenic (1); Uncertain significance (1). Last evaluated 2024-04-29.

Conditions:
KLHL7-related disorder. Also called: KLHL7-related disorders; KLHL7-related condition.

Submissions (2):

Labcorp Genetics (formerly Invitae), Labcorp
Classification: Uncertain significance. Last evaluated: 2024-04-29. Review status: criteria provided, single submitter. Criteria: Invitae Variant Classification Sherloc (09022015). Collection method: clinical testing. Allele origin: germline.
Comment: This sequence change replaces histidine, which is basic and polar, with aspartic acid, which is acidic and polar, at codon 172 of the KLHL7 protein (p.His172Asp). This variant is not present in population databases (gnomAD no frequency). This missense change has been observed in individuals with retinitis pigmentosa (PMID: 28559085; Invitae). ClinVar contains an entry for this variant (Variation ID: 1399379). An algorithm developed to predict the effect of missense changes on protein structure and function (PolyPhen-2) suggests that this variant is likely to be disruptive. In summary, the available evidence is currently insufficient to determine the role of this variant in disease. Therefore, it has been classified as a Variant of Uncertain Significance.

Blueprint Genetics
Classification: Likely pathogenic for KLHL7-related disorders. Last evaluated: 2021-07-30. Review status: criteria provided, single submitter. Criteria: ACMG Guidelines, 2015. Collection method: clinical testing. Allele origin: germline. Affected: yes. Observed: 3 variant alleles.

Literature cited by the submitters: PubMed 28559085 (cited by Labcorp Genetics (formerly Invitae), Labcorp).